The following is an entry in ClinVar:

NM_001142864.4(PIEZO1):c.1775G>C (p.Ser592Thr)

Genes: HSALR1 (HSP90AB1 associated lncRNA 1; plus strand), PIEZO1 (piezo type mechanosensitive ion channel component 1 (Er blood group); minus strand). Cytogenetic location: 16q24.3.
Variant type: single nucleotide variant.
Coding change: c.1775G>C on transcript NM_001142864.4 (MANE Select); coding-DNA position 1775, G replaced by C.
Protein change: p.Ser592Thr; replaces serine 592 with threonine.
Molecular consequence: missense variant.
Genome position (GRCh38, 1-based): chr16:88,734,948, C>G on the plus strand (G>C on the coding strand, the complement: PIEZO1 is on the minus strand). VCF-style: chr16-88734948-C-G. GRCh37 (hg19) VCF-style: chr16-88801356-C-G.
Other names: c.320G>C, p.Ser107Thr (NM_014745.1); short protein forms S107T, S592T.
Identifiers: ClinVar variation 2872007 (VCV002872007.4), dbSNP rs2507911512, ClinGen allele CA397115354.

ClinVar aggregate classification (germline): Uncertain significance. Review status: criteria provided, multiple submitters, no conflicts (2 of 4 stars). 2 submissions from 2 submitters: Uncertain significance (2). Last evaluated 2025-03-21.

Submissions (2):

Revvity Omics, Revvity
Classification: Uncertain significance. Last evaluated: 2025-03-21. Review status: criteria provided, single submitter. Criteria: ACMG Guidelines, 2015. Collection method: clinical testing. Allele origin: germline.

Labcorp Genetics (formerly Invitae), Labcorp
Classification: Uncertain significance. Last evaluated: 2022-11-24. Review status: criteria provided, single submitter. Criteria: Invitae Variant Classification Sherloc (09022015). Collection method: clinical testing. Allele origin: germline.
Comment: This sequence change replaces serine, which is neutral and polar, with threonine, which is neutral and polar, at codon 592 of the PIEZO1 protein (p.Ser592Thr). This variant is not present in population databases (gnomAD no frequency). This variant has not been reported in the literature in individuals affected with PIEZO1-related conditions. Advanced modeling of protein sequence and biophysical properties (such as structural, functional, and spatial information, amino acid conservation, physicochemical variation, residue mobility, and thermodynamic stability) performed at Invitae indicates that this missense variant is not expected to disrupt PIEZO1 protein function. In summary, the available evidence is currently insufficient to determine the role of this variant in disease. Therefore, it has been classified as a Variant of Uncertain Significance.